The following is an entry in ClinVar:

NM_024675.4(PALB2):c.2301C>A (p.Val767=)

Gene: PALB2 (partner and localizer of BRCA2; minus strand). Cytogenetic location: 16p12.2.
Variant type: single nucleotide variant.
Coding change: c.2301C>A on transcript NM_024675.4 (MANE Select); coding-DNA position 2301, C replaced by A.
Protein change: p.Val767=; no amino-acid change (valine 767 retained).
Molecular consequence: synonymous variant.
Genome position (GRCh38, 1-based): chr16:23,629,853, G>T on the plus strand (C>A on the coding strand, the complement: PALB2 is on the minus strand). VCF-style: chr16-23629853-G-T. GRCh37 (hg19) VCF-style: chr16-23641174-G-T.
Identifiers: ClinVar variation 126645 (VCV000126645.5), dbSNP rs515726084, ClinGen allele CA269529.
Genomic context (GRCh38, chr16:23,629,853, plus strand): 5'-GGTATGTGGTTTTGCTGGGCTGCCTGAACTGTCGAATTGTTTAGTATCACTGGCAAGACA[G>T]ACTGAGTCTTTCAAATGAGCAAGTTGGGGTGTGCAGCAAGTTCGTCCAGCAACTTCTGTA-3'
Protein context (NP_078951.2, residues 757-777): TPQLAHLKDS[Val767=]CLASDTKQFD

ClinVar aggregate classification (germline): Likely benign. Review status: criteria provided, single submitter (1 of 4 stars). 2 submissions from 2 submitters: Likely benign (1). 1 of the submissions does not count toward it. Last evaluated 2020-01-27.

Conditions:
Hereditary cancer-predisposing syndrome. Also called: Hereditary Cancer Syndrome; Hereditary neoplastic syndrome; Tumor predisposition; Neoplastic Syndromes, Hereditary. Identifiers: Orphanet 140162, MedGen C0027672, MeSH D009386, MONDO:0015356.
Familial cancer of breast. Also called: BREAST CANCER, FAMILIAL; hereditary breast carcinoma; Hereditary breast cancer. Identifiers: Orphanet 227535, MedGen C0346153, MONDO:0016419, OMIM 114480. Disease mechanism: loss of function.

Submissions (2):

Ambry Genetics
Classification: Likely benign for Hereditary cancer-predisposing syndrome. Last evaluated: 2020-01-27. Review status: criteria provided, single submitter. Criteria: Ambry Variant Classification Scheme 2023. Collection method: clinical testing. Allele origin: germline.

Leiden Open Variation Database
Classification: Likely benign for Familial cancer of breast. Last evaluated: 2019-05-13. Review status: no assertion criteria provided. Collection method: curation. Allele origin: germline. Affected: yes. Not counted in ClinVar's aggregate classification.
Comment: Curators: Marc Tischkowitz, Arleen D. Auerbach. Submitter to LOVD: Marc Tischkowitz.

Literature cited by the submitters: PubMed 21932393 (cited by Leiden Open Variation Database).